The following is an entry in ClinVar:

ClinVar aggregate classification (germline): Likely benign. Review status: criteria provided, single submitter (1 of 4 stars). 2 submissions from 2 submitters: Likely benign (1). 1 of the submissions does not count toward it. Last evaluated 2023-10-14.

Conditions:
Pulmonary fibrosis and/or bone marrow failure, Telomere-related, 3. Also called: PULMONARY FIBROSIS AND/OR BONE MARROW FAILURE SYNDROME, TELOMERE-RELATED, 3. Identifiers: Orphanet 2032, MedGen C4225346, MONDO:0014613, OMIM 616373.
Dyskeratosis congenita, autosomal recessive 5 (DKCB5). Identifiers: MedGen C3554656, MONDO:0014076, OMIM 615190.
RTEL1-related disorder. Also called: RTEL1-related disorders; RTEL1-related condition.

Allele frequency attached by ClinVar (database versions not stated): gnomAD exomes 0.00001; ExAC 0.00002.

Submissions (2):

Labcorp Genetics (formerly Invitae), Labcorp
Classification: Likely benign for Dyskeratosis congenita, autosomal recessive 5; Pulmonary fibrosis and/or bone marrow failure, Telomere-related, 3. Last evaluated: 2023-10-14. Review status: criteria provided, single submitter. Criteria: Invitae Variant Classification Sherloc (09022015). Collection method: clinical testing. Allele origin: germline.

PreventionGenetics, part of Exact Sciences
Classification: Likely benign for RTEL1-related condition. Last evaluated: 2019-04-05. Review status: no assertion criteria provided. Collection method: clinical testing. Allele origin: germline. Not counted in ClinVar's aggregate classification.
Comment: This variant is classified as likely benign based on ACMG/AMP sequence variant interpretation guidelines (Richards et al. 2015 PMID: 25741868, with internal and published modifications).

NM_001283009.2(RTEL1):c.3500-8G>A

Genes: RTEL1 (regulator of telomere elongation helicase 1; plus strand), RTEL1-TNFRSF6B (RTEL1-TNFRSF6B readthrough (NMD candidate); plus strand). Cytogenetic location: 20q13.33.
Variant type: single nucleotide variant.
Coding change: c.3500-8G>A on transcript NM_001283009.2 (MANE Select); 8 bases into the intron before coding-DNA position 3500, G replaced by A.
Molecular consequence: intron variant.
Genome position (GRCh38, 1-based): chr20:63,695,320, G>A. VCF-style: chr20-63695320-G-A. GRCh37 (hg19) VCF-style: chr20-62326673-G-A.
Other names: c.2831-8G>A (NM_001283010.1); c.3572-8G>A (NM_032957.5, NM_032957.4); c.3500-8G>A (NM_016434.4).
Identifiers: ClinVar variation 1139793 (VCV001139793.11), dbSNP rs755399951, ClinGen allele CA9966093.